The following is an entry in ClinVar:

ClinVar aggregate classification (germline): Pathogenic (1 of 4 stars; one submission).

Conditions:
Familial cancer of breast. Also called: hereditary breast carcinoma; BREAST CANCER, FAMILIAL; Hereditary breast cancer. Identifiers: Orphanet 227535, MedGen C0346153, MONDO:0016419, OMIM 114480. Disease mechanism: loss of function.

Submission:

Labcorp Genetics (formerly Invitae), Labcorp
Classification: Pathogenic for Familial cancer of breast. Last evaluated: 2022-09-29. Review status: criteria provided, single submitter. Criteria: Invitae Variant Classification Sherloc (09022015). Collection method: clinical testing. Allele origin: germline.
Comment: For these reasons, this variant has been classified as Pathogenic. This variant has not been reported in the literature in individuals affected with CHEK2-related conditions. This variant is not present in population databases (gnomAD no frequency). This sequence change creates a premature translational stop signal (p.Phe310Valfs*2) in the CHEK2 gene. It is expected to result in an absent or disrupted protein product. Loss-of-function variants in CHEK2 are known to be pathogenic (PMID: 21876083, 24713400).

Literature cited by the submitters: PubMed 21876083; PubMed 24713400.

NM_007194.4(CHEK2):c.926dup (p.Phe310fs)

Gene: CHEK2 (checkpoint kinase 2; minus strand). Cytogenetic location: 22q12.1.
Variant type: Duplication.
Coding change: c.926dup on transcript NM_007194.4 (MANE Select); coding-DNA position 926, one base duplicated (T; older notation c.926dupT).
Protein change: p.Phe310fs; shifts the reading frame from phenylalanine 310.
Molecular consequence: frameshift variant.
Genome position (GRCh38, 1-based): chr22:28,699,920, A duplicated on the plus strand (T on the coding strand, the reverse complement: CHEK2 is on the minus strand). VCF-style (leftmost placement, unchanged base first): chr22-28699919-C-CA. GRCh37 (hg19) VCF-style: chr22-29095907-C-CA.
Other names: c.1055dup, p.Phe353Valfs (NM_001005735.3); c.263dup, p.Phe89Valfs (NM_001257387.3); c.725dup, p.Phe243Valfs (NM_001349956.3); c.926dup, p.Phe310Valfs (NM_145862.3); short protein forms F243fs, F89fs, F353fs, F310fs.
Identifiers: ClinVar variation 2027470 (VCV002027470.4), dbSNP rs2517850607, ClinGen allele CA2580099593.
Genomic context (GRCh38, chr22:28,699,919, plus strand): 5'-GTAAAAATAGAGCTTGCAGGTAGCTTCTTTCAGGCGTTTATTCCCCACCACTTTGTCAAA[C>CA]AGCTCTCCCCCTTCCATCCTGAAACACAAAGGCAAGGCAAGGGGTTCATTCCTGGGGGAA-3'